The following is an entry in ClinVar:

ClinVar aggregate classification (germline): Conflicting classifications of pathogenicity. Review status: criteria provided, conflicting classifications (1 of 4 stars). 15 submissions from 14 submitters: Uncertain significance (4); Benign (2); Likely benign (8). 1 of the submissions does not count toward it. Last evaluated 2026-03-30.

Conditions:
Ehlers-Danlos syndrome, classic type, 1 (EDSCL1). Also called: EDS I; EHLERS-DANLOS SYNDROME, GRAVIS TYPE; EHLERS-DANLOS SYNDROME, SEVERE CLASSIC TYPE; Ehlers-Danlos Syndrome, Classic Type, COL5A1-Related; Ehlers-Danlos syndrome, type 1. Identifiers: MedGen C0268335, MONDO:0019567, OMIM 130000.
Osteogenesis imperfecta type I (OI1). Also called: Osteogenesis imperfecta type 1; OI, TYPE I; OSTEOGENESIS IMPERFECTA TARDA; OSTEOGENESIS IMPERFECTA WITH BLUE SCLERAE; Lobstein disease; Classic Non-deforming Osteogenesis Imperfecta with Blue Sclerae. Identifiers: Orphanet 216796, Orphanet 666, MedGen C0023931, MONDO:0008146, OMIM 166200. Disease mechanism: loss of function.
COL1A2-related disorder. Also called: COL1A2-Related Disorders; COL1A2-related condition.
Ehlers-Danlos syndrome, arthrochalasia type, 2. Also called: EHLERS-DANLOS SYNDROME, TYPE VIIB, AUTOSOMAL DOMINANT. Identifiers: MedGen CN293783, MONDO:0040501, OMIM 617821.
Cardiovascular phenotype. Identifiers: MedGen CN230736.
Connective tissue disorder. Also called: Connective tissue disease. Identifiers: MedGen C0009782, MONDO:0003900.
Postmenopausal osteoporosis. Also called: OSTEOPOROSIS, INVOLUTIONAL; BONE MINERAL DENSITY QUANTITATIVE TRAIT LOCUS. Identifiers: MedGen C0029458, MONDO:0008159.
Osteogenesis imperfecta (OI). Identifiers: Orphanet 666, MedGen C0029434, MeSH D010013, MONDO:0019019.
Marfan syndrome, atypical. Identifiers: MedGen C4016055.

Allele frequency attached by ClinVar (database versions not stated): gnomAD exomes 0.00065; ExAC 0.00069; gnomAD 0.00075 and 0.00077; TOPMed 0.00077.
gnomAD v4.1: 1,934 of 1,613,784 alleles (0.12%); highest among the groups gnomAD compares: Non-Finnish European, 0.15%; 1 homozygote.

Submissions (20):

PreventionGenetics, part of Exact Sciences
Classification: Uncertain significance for COL1A2-related condition. Last evaluated: 2026-03-30. Review status: criteria provided, single submitter. Criteria: ACMG Guidelines, 2015. Collection method: clinical testing. Allele origin: germline.
Comment: The COL1A2 c.2123G>A variant is predicted to result in the amino acid substitution p.Arg708Gln. This variant, also referred to as p.Arg618Gln using legacy nomenclature, has been reported in isolated cases of Marfan syndrome, osteogenesis imperfecta, peripheral fracture susceptibility, and connective tissue disorder (Phillips et al. 1990. PubMed ID: 1978725; Collet et al. 2018. PubMed ID: 30283887; Forlino et al. 1998. PubMed ID: 9923651; Funck-Brentano et al. 2017. PubMed ID: 28017821; Taillandier et al. 2015. PubMed ID: 26432670; Weerakkody et al. 2016. PubMed ID: 27011056). However, this variant has also been reported in unaffected and mildly affected family members, and in one case was found in cis with a second likely-causative variant (Forlino et al. 1998. PubMed ID: 9923651; Vomund et al. 2004. PubMed ID: 15172002). This variant is reported in 0.12% of alleles in individuals of Latino descent in gnomAD, which is likely too frequent for a highly penetrant allele. Furthermore, a functional study assessing the role of this variant in helical stability and fibrillary assembly was inconclusive (Vomund et al. 2004. PubMed ID: 15172002). In ClinVar, this variant is interpreted as benign/likely benign/uncertain. At this time, the clinical significance of this variant is uncertain due to the absence of conclusive functional and genetic evidence.

Labcorp Genetics (formerly Invitae), Labcorp
Classification: Likely benign for Osteogenesis imperfecta type I; Ehlers-Danlos syndrome, classic type, 1. Last evaluated: 2026-01-27. Review status: criteria provided, single submitter. Criteria: Invitae Variant Classification Sherloc (09022015). Collection method: clinical testing. Allele origin: germline.

CeGaT Center for Human Genetics Tuebingen
Classification: Uncertain significance. Last evaluated: 2025-04-01. Review status: criteria provided, single submitter. Criteria: CeGaT Center For Human Genetics Tuebingen Variant Classification Criteria Version 2. Collection method: clinical testing. Allele origin: germline. Affected: yes. Observed: 2 variant alleles.
Comment: COL1A2: PP3

Women's Health and Genetics/Laboratory Corporation of America, LabCorp
Classification: Likely benign. Last evaluated: 2025-01-14. Review status: criteria provided, single submitter. Criteria: LabCorp Variant Classification Summary - May 2015. Collection method: clinical testing. Allele origin: germline.

Blueprint Genetics
Classification: Likely benign. Last evaluated: 2024-10-18. Review status: criteria provided, single submitter. Criteria: ACMG Guidelines, 2015. Collection method: clinical testing. Allele origin: germline.

ARUP Laboratories, Molecular Genetics and Genomics, ARUP Laboratories
Classification: Likely benign. Last evaluated: 2024-05-13. Review status: criteria provided, single submitter. Criteria: ARUP Molecular Germline Variant Investigation Process 2024. Collection method: clinical testing. Allele origin: germline.

Revvity Omics, Revvity
Classification: Uncertain significance. Last evaluated: 2023-11-06. Review status: criteria provided, single submitter. Criteria: ACMG Guidelines, 2015. Collection method: clinical testing. Allele origin: germline.

Ambry Genetics
Classification: Likely benign for Cardiovascular phenotype. Last evaluated: 2021-11-05. Review status: criteria provided, single submitter. Criteria: Ambry Variant Classification Scheme 2023. Collection method: clinical testing. Allele origin: germline.

GeneDx
Classification: Likely benign. Last evaluated: 2021-02-19. Review status: criteria provided, single submitter. Criteria: GeneDx Variant Classification Process June 2021. Collection method: clinical testing. Allele origin: germline. Affected: yes.
Comment: This variant is associated with the following publications: (PMID: 9923651, 1978725, 15172002, 26432670, 26264438, 27011056, 28017821, 30283886, 30283887, 33195954)

Mayo Clinic Laboratories, Mayo Clinic
Classification: Benign. Last evaluated: 2020-09-25. Review status: criteria provided, single submitter. Criteria: ACMG Guidelines, 2015. Collection method: clinical testing. Allele origin: germline. Observed: 13 variant alleles.

Baylor Genetics
Classification: Uncertain significance for Osteoporosis. Last evaluated: 2019-12-03. Review status: criteria provided, single submitter. Criteria: ACMG Guidelines, 2015. Collection method: clinical testing. Allele origin: unknown. Affected: yes.
Comment: This variant was determined to be of uncertain significance according to ACMG Guidelines, 2015 [PMID:25741868].

Center for Human Genetics, Inc
Classification: Likely benign for Connective tissue disorder. Last evaluated: 2018-06-01. Review status: criteria provided, single submitter. Criteria: ACMG Guidelines, 2015. Collection method: clinical testing. Allele origin: germline. Affected: yes.

Illumina Laboratory Services, Illumina
Classification: Benign for Osteogenesis imperfecta. Last evaluated: 2017-04-27. Review status: criteria provided, single submitter. Criteria: ICSL Variant Classification Criteria 13 December 2019. Collection method: clinical testing. Allele origin: germline.
Comment: This variant was observed as part of a predisposition screen in an ostensibly healthy population. A literature search was performed for the gene, cDNA change, and amino acid change (where applicable). Publications were found based on this search. The evidence from the literature, in combination with allele frequency data from public databases where available, was sufficient to rule this variant out of causing disease. Therefore, this variant is classified as benign.

Illumina Laboratory Services, Illumina
Classification: Likely benign for Ehlers-Danlos syndrome, arthrochalasia type, 2. Last evaluated: 2017-04-27. Review status: criteria provided, single submitter. Criteria: ICSL Variant Classification Criteria 13 December 2019. Collection method: clinical testing. Allele origin: germline.
Comment: This variant was observed as part of a predisposition screen in an ostensibly healthy population. A literature search was performed for the gene, cDNA change, and amino acid change (where applicable). No publications were found based on this search. Allele frequency data from public databases allowed determination this variant is unlikely to cause disease. Therefore, this variant is classified as likely benign.

OMIM
Classification: Uncertain significance for RECLASSIFIED - VARIANT OF UNKNOWN SIGNIFICANCE. Last evaluated: 2004-06-01. Review status: no assertion criteria provided. Collection method: literature only. Allele origin: germline. Not counted in ClinVar's aggregate classification.

Dr. Peter K. Rogan Lab, Western University
No classification provided (evidence only). Condition: Malignant tumor of urinary bladder. Review status: no classification provided. Collection method: in vitro. Allele origin: not applicable. Functional consequence: retained intron. Not counted in ClinVar's aggregate classification.

Dr. Peter K. Rogan Lab, Western University
No classification provided (evidence only). Condition: Familial cancer of breast. Review status: no classification provided. Collection method: in vitro. Allele origin: not applicable. Functional consequence: retained intron. Not counted in ClinVar's aggregate classification.

Dr. Peter K. Rogan Lab, Western University
No classification provided (evidence only). Condition: Familial cancer of breast. Review status: no classification provided. Collection method: in vitro. Allele origin: not applicable. Functional consequence: retained intron. Not counted in ClinVar's aggregate classification.

Dr. Peter K. Rogan Lab, Western University
No classification provided (evidence only). Condition: Cervical cancer. Review status: no classification provided. Collection method: in vitro. Allele origin: not applicable. Functional consequence: retained intron. Not counted in ClinVar's aggregate classification.

Dr. Peter K. Rogan Lab, Western University
No classification provided (evidence only). Condition: Sarcoma. Review status: no classification provided. Collection method: in vitro. Allele origin: not applicable. Functional consequence: skipped exon, retained intron. Not counted in ClinVar's aggregate classification.

Literature cited by the submitters: PubMed 9923651 (cited by 3 submitters); PubMed 1978725 (cited by 3 submitters); PubMed 15172002 (cited by 3 submitters); PubMed 17211858 (cited by Women's Health and Genetics/Laboratory Corporation of America, LabCorp); PubMed 17206620 (cited by Women's Health and Genetics/Laboratory Corporation of America, LabCorp); PubMed 18028452 (cited by Women's Health and Genetics/Laboratory Corporation of America, LabCorp and Illumina Laboratory Services, Illumina); PubMed 9133348 (cited by Women's Health and Genetics/Laboratory Corporation of America, LabCorp); PubMed 2010058 (cited by Women's Health and Genetics/Laboratory Corporation of America, LabCorp); PubMed 11007540 (cited by Women's Health and Genetics/Laboratory Corporation of America, LabCorp); PubMed 26432670 (cited by Ambry Genetics and Illumina Laboratory Services, Illumina); PubMed 28017821 (cited by Ambry Genetics); PubMed 28518168 (cited by Ambry Genetics); PubMed 32461654 (cited by Ambry Genetics); Byers, P. H. Personal Communication. 2002. Seattle, Wa. (cited by OMIM); PubMed 2985635 (cited by OMIM); PubMed 9399846 (cited by OMIM); Phillips, C. L., Shrago, A. W., Pinnell, S. R., Wenstrup, R. J. DNA sequence analysis of alpha-2(I) collagen from an individual with the Marfan phenotype. Ann. N.Y. Acad. Sci. 580: 560-561, 1990. (cited by OMIM).

NM_000089.4(COL1A2):c.2123G>A (p.Arg708Gln)

Gene: COL1A2 (collagen type I alpha 2 chain; plus strand). Cytogenetic location: 7q21.3.
Variant type: single nucleotide variant.
Coding change: c.2123G>A on transcript NM_000089.4 (MANE Select); coding-DNA position 2123, G replaced by A.
Protein change: p.Arg708Gln; replaces arginine 708 with glutamine.
Molecular consequence: missense variant.
Genome position (GRCh38, 1-based): chr7:94,420,276, G>A. VCF-style: chr7-94420276-G-A. GRCh37 (hg19) VCF-style: chr7-94049588-G-A.
Other names: R618Q; short protein forms R708Q.
Identifiers: ClinVar variation 17250 (VCV000017250.103), dbSNP rs72658163, ClinGen allele CA210743.